The following is an entry in ClinVar:

ClinVar aggregate classification (germline): Uncertain significance (1 of 4 stars; one submission).

Conditions:
Emery-Dreifuss muscular dystrophy 4, autosomal dominant (EDMD4). Also called: EMERY-DREIFUSS MUSCULAR DYSTROPHY 4 WITH VARIABLE FEATURES. Identifiers: Orphanet 261, MedGen C2751807, MONDO:0013071, OMIM 612998.
Autosomal recessive ataxia, Beauce type. Also called: SYNE1 Deficiency; Spinocerebellar ataxia, autosomal recessive 8; ATAXIA, RECESSIVE, OF BEAUCE; SYNE1-Related Autosomal Recessive Cerebellar Ataxia. Identifiers: Orphanet 88644, MedGen C1853116, MONDO:0012549, OMIM 610743.

Allele frequency attached by ClinVar (database versions not stated): ExAC 0.00001; gnomAD exomes 0.00001.
gnomAD v4.1: 5 of 1,613,856 alleles (0.00031%); highest among the groups gnomAD compares: South Asian, 0.0044%; no homozygotes.

Submission:

Labcorp Genetics (formerly Invitae), Labcorp
Classification: Uncertain significance for Emery-Dreifuss muscular dystrophy 4, autosomal dominant; Autosomal recessive ataxia, Beauce type. Last evaluated: 2022-07-12. Review status: criteria provided, single submitter. Criteria: Invitae Variant Classification Sherloc (09022015). Collection method: clinical testing. Allele origin: germline.
Comment: This sequence change replaces alanine, which is neutral and non-polar, with threonine, which is neutral and polar, at codon 630 of the SYNE1 protein (p.Ala630Thr). This variant is present in population databases (rs763521120, gnomAD 0.003%). This variant has not been reported in the literature in individuals affected with SYNE1-related conditions. Algorithms developed to predict the effect of missense changes on protein structure and function are either unavailable or do not agree on the potential impact of this missense change (SIFT: "Deleterious"; PolyPhen-2: "Possibly Damaging"; Align-GVGD: "Class C0"). In summary, the available evidence is currently insufficient to determine the role of this variant in disease. Therefore, it has been classified as a Variant of Uncertain Significance.

NM_182961.4(SYNE1):c.1867G>A (p.Ala623Thr)

Gene: SYNE1 (spectrin repeat containing nuclear envelope protein 1; minus strand). Cytogenetic location: 6q25.2.
Variant type: single nucleotide variant.
Coding change: c.1867G>A on transcript NM_182961.4 (MANE Select); coding-DNA position 1867, G replaced by A.
Protein change: p.Ala623Thr; replaces alanine 623 with threonine.
Molecular consequence: missense variant.
Genome position (GRCh38, 1-based): chr6:152,465,323, C>T on the plus strand (G>A on the coding strand, the complement: SYNE1 is on the minus strand). VCF-style: chr6-152465323-C-T. GRCh37 (hg19) VCF-style: chr6-152786458-C-T.
Other names: c.1888G>A, p.Ala630Thr (NM_033071.5); short protein forms A630T, A623T.
Identifiers: ClinVar variation 2041037 (VCV002041037.1), dbSNP rs763521120, ClinGen allele CA4059289.